The following is an entry in ClinVar:

ClinVar aggregate classification (germline): Uncertain significance (1 of 4 stars; one submission).

Conditions:
Pancreatic adenocarcinoma. Identifiers: MedGen C0281361, MONDO:0006047, HP:0006725.

Submission:

Labcorp Genetics (formerly Invitae), Labcorp
Classification: Uncertain significance for Pancreatic adenocarcinoma. Last evaluated: 2023-12-05. Review status: criteria provided, single submitter. Criteria: Invitae Variant Classification Sherloc (09022015). Collection method: clinical testing. Allele origin: germline.
Comment: This sequence change replaces valine, which is neutral and non-polar, with isoleucine, which is neutral and non-polar, at codon 435 of the PALLD protein (p.Val435Ile). This variant is not present in population databases (gnomAD no frequency). This variant has not been reported in the literature in individuals affected with PALLD-related conditions. An algorithm developed to predict the effect of missense changes on protein structure and function (PolyPhen-2) suggests that this variant is likely to be tolerated. In summary, the available evidence is currently insufficient to determine the role of this variant in disease. Therefore, it has been classified as a Variant of Uncertain Significance.

NM_001166108.2(PALLD):c.2815G>A (p.Val939Ile)

Genes: CBR4 (carbonyl reductase 4; minus strand), PALLD (palladin, cytoskeletal associated protein; plus strand). Cytogenetic location: 4q32.3.
Variant type: single nucleotide variant.
Coding change: c.2815G>A on transcript NM_001166108.2 (MANE Select); coding-DNA position 2815, G replaced by A.
Protein change: p.Val939Ile; replaces valine 939 with isoleucine.
Molecular consequence: missense variant.
Genome position (GRCh38, 1-based): chr4:168,915,992, G>A. VCF-style: chr4-168915992-G-A. GRCh37 (hg19) VCF-style: chr4-169837143-G-A.
Other names: c.1618G>A, p.Val540Ile (NM_001166109.2); c.1303G>A, p.Val435Ile (NM_001166110.2); c.643G>A, p.Val215Ile (NM_001367567.1, NM_001367569.1); c.694G>A, p.Val232Ile (NM_001367568.1, NM_001367570.1); c.2764G>A, p.Val922Ile (NM_016081.4); short protein forms V939I, V922I, V215I, V232I, V435I, V540I.
Identifiers: ClinVar variation 2802897 (VCV002802897.3), dbSNP rs778471055, ClinGen allele CA358706879.